The following is an entry in ClinVar:

NM_005188.4(CBL):c.2434+3G>A

Gene: CBL (Cbl proto-oncogene; plus strand). Cytogenetic location: 11q23.3.
Variant type: single nucleotide variant.
Coding change: c.2434+3G>A on transcript NM_005188.4 (MANE Select); 3 bases into the intron after coding-DNA position 2434, G replaced by A.
Molecular consequence: intron variant.
Genome position (GRCh38, 1-based): chr11:119,298,543, G>A. VCF-style: chr11-119298543-G-A. GRCh37 (hg19) VCF-style: chr11-119169253-G-A.
Identifiers: ClinVar variation 1372147 (VCV001372147.6), dbSNP rs2135321343, ClinGen allele CA2573146897.

ClinVar aggregate classification (germline): Uncertain significance (1 of 4 stars; one submission).

Conditions:
RASopathy. Also called: Noonan spectrum disorder; rasopathies. Identifiers: Orphanet 536391, MedGen C5555857, MONDO:0021060.

Submission:

Labcorp Genetics (formerly Invitae), Labcorp
Classification: Uncertain significance for RASopathy. Last evaluated: 2022-03-08. Review status: criteria provided, single submitter. Criteria: Invitae Variant Classification Sherloc (09022015). Collection method: clinical testing. Allele origin: germline.
Comment: In summary, the available evidence is currently insufficient to determine the role of this variant in disease. Therefore, it has been classified as a Variant of Uncertain Significance. Variants that disrupt the consensus splice site are a relatively common cause of aberrant splicing (PMID: 17576681, 9536098). Algorithms developed to predict the effect of sequence changes on RNA splicing suggest that this variant is not likely to affect RNA splicing. This variant has not been reported in the literature in individuals affected with CBL-related conditions. This variant is not present in population databases (gnomAD no frequency). This sequence change falls in intron 15 of the CBL gene. It does not directly change the encoded amino acid sequence of the CBL protein. It affects a nucleotide within the consensus splice site.

Literature cited by the submitters: PubMed 17576681; PubMed 9536098.